The following is an entry in ClinVar:

ClinVar aggregate classification (germline): Pathogenic (1 of 4 stars; one submission).

Conditions:
Charcot-Marie-Tooth disease type 2. Also called: Charcot-Marie-Tooth type 2. Identifiers: Orphanet 64746, MedGen C0270914, MONDO:0018993.

Submission:

Labcorp Genetics (formerly Invitae), Labcorp
Classification: Pathogenic for Charcot-Marie-Tooth disease type 2. Last evaluated: 2025-09-21. Review status: criteria provided, single submitter. Criteria: Invitae Variant Classification Sherloc (09022015). Collection method: clinical testing. Allele origin: germline.
Comment: This sequence change creates a premature translational stop signal (p.Glu84Aspfs*11) in the LMNA gene. It is expected to result in an absent or disrupted protein product. Loss-of-function variants in LMNA are known to be pathogenic (PMID: 18585512, 18926329). This variant is not present in population databases (gnomAD no frequency). This variant has not been reported in the literature in individuals affected with LMNA-related conditions. ClinVar contains an entry for this variant (Variation ID: 543229). For these reasons, this variant has been classified as Pathogenic.

Literature cited by the submitters: PubMed 18585512; PubMed 18926329.

NM_170707.4(LMNA):c.248_251dup (p.Glu84fs)

Gene: LMNA (lamin A/C; plus strand). Cytogenetic location: 1q22.
Variant type: Duplication.
Coding change: c.248_251dup on transcript NM_170707.4 (MANE Select); coding-DNA positions 248 to 251, 4 bases duplicated (CCGA; older notation c.248_251dupCCGA).
Protein change: p.Glu84fs; shifts the reading frame from glutamic acid 84.
Molecular consequence: frameshift variant.
Genome position (GRCh38, 1-based): chr1:156,115,166-156,115,169, CCGA duplicated. VCF-style (leftmost placement, unchanged base first): chr1-156115165-G-GCCGA. GRCh37 (hg19) VCF-style: chr1-156084956-G-GCCGA.
Other names: c.248_251dupCCGA (NM_170707.3); c.248_251dup, p.Glu84fs (NM_001282625.2, NM_001282626.2, NM_005572.4 and 1 more transcripts); short protein forms E84fs.
Identifiers: ClinVar variation 543229 (VCV000543229.8), dbSNP rs1553261982, ClinGen allele CA658795526.